The following is an entry in ClinVar:

ClinVar aggregate classification (germline): Uncertain significance (1 of 4 stars; one submission).

Conditions:
Peutz-Jeghers syndrome (PJS). Also called: Peutz-Jeghers polyposis; Periorificial lentiginosis syndrome; POLYPOSIS, HAMARTOMATOUS INTESTINAL; POLYPS-AND-SPOTS SYNDROME. Identifiers: Orphanet 2869, MedGen C0031269, MeSH D010580, MONDO:0008280, OMIM 175200.

Submission:

Labcorp Genetics (formerly Invitae), Labcorp
Classification: Uncertain significance for Peutz-Jeghers syndrome. Last evaluated: 2023-07-19. Review status: criteria provided, single submitter. Criteria: Invitae Variant Classification Sherloc (09022015). Collection method: clinical testing. Allele origin: germline.
Comment: This variant is not present in population databases (gnomAD no frequency). In summary, the available evidence is currently insufficient to determine the role of this variant in disease. Therefore, it has been classified as a Variant of Uncertain Significance. Experimental studies and prediction algorithms are not available or were not evaluated, and the functional significance of this variant is currently unknown. This variant has not been reported in the literature in individuals affected with STK11-related conditions. This sequence change results in a frameshift in the STK11 gene (p.Gln399Alafs*205). While this is not anticipated to result in nonsense mediated decay, it is expected to disrupt the last 35 amino acid(s) of the STK11 protein and extend the protein by 169 additional amino acid residues.

NM_000455.5(STK11):c.1194dup (p.Gln399fs)

Gene: STK11 (serine/threonine kinase 11; plus strand). Cytogenetic location: 19p13.3.
Variant type: Duplication.
Coding change: c.1194dup on transcript NM_000455.5 (MANE Select); coding-DNA position 1194, one base duplicated (G; older notation c.1194dupG).
Protein change: p.Gln399fs; shifts the reading frame from glutamine 399.
Molecular consequence: frameshift variant. On other transcripts: non-coding transcript variant (1).
Genome position (GRCh38, 1-based): chr19:1,226,539, G duplicated. VCF-style (leftmost placement, unchanged base first): chr19-1226538-C-CG. GRCh37 (hg19) VCF-style: chr19-1226537-C-CG.
Other names: short protein forms Q399fs.
Identifiers: ClinVar variation 2745061 (VCV002745061.3), dbSNP rs2512955013, ClinGen allele CA2697555611.